The following is an entry in ClinVar:

ClinVar aggregate classification (germline): Uncertain significance (1 of 4 stars; one submission).

Submission:

GeneDx
Classification: Uncertain significance. Last evaluated: 2023-12-20. Review status: criteria provided, single submitter. Criteria: GeneDx Variant Classification Process June 2021. Collection method: clinical testing. Allele origin: germline. Affected: yes.
Comment: Not observed at significant frequency in large population cohorts (gnomAD); In silico analysis supports that this missense variant has a deleterious effect on protein structure/function; Has not been previously published as pathogenic or benign to our knowledge

NM_001394062.1(MACF1):c.14626C>A (p.Gln4876Lys)

Genes: MACF1 (microtubule actin crosslinking factor 1; plus strand), LOC114803468 (MACF1 eExon liver enhancer; plus strand). Cytogenetic location: 1p34.3.
Variant type: single nucleotide variant.
Coding change: c.14626C>A on transcript NM_001394062.1 (MANE Select); coding-DNA position 14626, C replaced by A.
Protein change: p.Gln4876Lys; replaces glutamine 4876 with lysine.
Molecular consequence: missense variant.
Genome position (GRCh38, 1-based): chr1:39,387,468, C>A. VCF-style: chr1-39387468-C-A. GRCh37 (hg19) VCF-style: chr1-39853140-C-A.
Other names: c.8440C>A, p.Gln2814Lys (NM_012090.5); short protein forms Q2814K, Q4876K.
Identifiers: ClinVar variation 3365941 (VCV003365941.1).